The following is an entry in ClinVar:

ClinVar aggregate classification (germline): Pathogenic/Likely pathogenic. Review status: criteria provided, multiple submitters, no conflicts (2 of 4 stars). 2 submissions from 2 submitters: Pathogenic (1); Likely pathogenic (1). Last evaluated 2025-12-30.

Conditions:
COL4A5-related disorders.

Submissions (2):

Labcorp Genetics (formerly Invitae), Labcorp
Classification: Pathogenic. Last evaluated: 2025-12-30. Review status: criteria provided, single submitter. Criteria: Invitae Variant Classification Sherloc (09022015). Collection method: clinical testing. Allele origin: germline.
Comment: This sequence change replaces glycine, which is neutral and non-polar, with arginine, which is basic and polar, at codon 796 of the COL4A5 protein (p.Gly796Arg). This variant is not present in population databases (gnomAD no frequency). This missense change has been observed in individuals with Alport syndrome (PMID: 7599631; internal data). This variant is also known as c.2589G>A. ClinVar contains an entry for this variant (Variation ID: 24513). Invitae Evidence Modeling of protein sequence and biophysical properties (such as structural, functional, and spatial information, amino acid conservation, physicochemical variation, residue mobility, and thermodynamic stability) indicates that this missense variant is expected to disrupt COL4A5 protein function with a positive predictive value of 95%. This variant disrupts the triple helix domain of COL4A5. Glycine residues within the Gly-Xaa-Yaa repeats of the triple helix domain are required for the structure and stability of fibrillar collagens (PMID: 7695699, 8218237, 19344236). In COL4A5, missense variants at these glycine residues are significantly enriched in individuals with disease (PMID: 23720012, 27627812) compared to the general population (ExAC). For these reasons, this variant has been classified as Pathogenic.

Blueprint Genetics
Classification: Likely pathogenic for COL4A5-related disorders. Last evaluated: 2021-09-23. Review status: criteria provided, single submitter. Criteria: ACMG Guidelines, 2015. Collection method: clinical testing. Allele origin: germline. Affected: yes. Observed: 1 variant allele.

Literature cited by the submitters: PubMed 7599631 (cited by Labcorp Genetics (formerly Invitae), Labcorp); PubMed 7695699 (cited by Labcorp Genetics (formerly Invitae), Labcorp); PubMed 8218237 (cited by Labcorp Genetics (formerly Invitae), Labcorp); PubMed 19344236 (cited by Labcorp Genetics (formerly Invitae), Labcorp); PubMed 23720012 (cited by Labcorp Genetics (formerly Invitae), Labcorp); PubMed 27627812 (cited by Labcorp Genetics (formerly Invitae), Labcorp).

NM_033380.3(COL4A5):c.2386G>A (p.Gly796Arg)

Gene: COL4A5 (collagen type IV alpha 5 chain; plus strand). Cytogenetic location: Xq22.3.
Variant type: single nucleotide variant.
Coding change: c.2386G>A on transcript NM_033380.3 (MANE Select); coding-DNA position 2386, G replaced by A.
Protein change: p.Gly796Arg; replaces glycine 796 with arginine.
Molecular consequence: missense variant.
Genome position (GRCh38, 1-based): chrX:108,606,883, G>A. VCF-style: chrX-108606883-G-A. GRCh37 (hg19) VCF-style: chrX-107850113-G-A.
Other names: c.2386G>A, p.Gly796Arg (NM_000495.5); short protein forms G796R.
Identifiers: ClinVar variation 24513 (VCV000024513.11), dbSNP rs104886177, ClinGen allele CA258672.